The following is an entry in ClinVar:

NM_000037.4(ANK1):c.5351_5355dup (p.Val1786fs)

Gene: ANK1 (ankyrin 1; minus strand). Cytogenetic location: 8p11.21.
Variant type: Duplication.
Coding change: c.5351_5355dup on transcript NM_000037.4 (MANE Select); coding-DNA positions 5351 to 5355, 5 bases duplicated (AGCAG; older notation c.5351_5355dupAGCAG).
Protein change: p.Val1786fs; shifts the reading frame from valine 1786.
Molecular consequence: frameshift variant.
Genome position (GRCh38, 1-based): chr8:41,668,306-41,668,310, CTGCT duplicated on the plus strand (AGCAG on the coding strand, the reverse complement: ANK1 is on the minus strand); duplicating any 5 consecutive bases within chr8:41,668,306-41,668,312 gives the same sequence; the c. name uses the placement nearest the transcript's 3' end. VCF-style (leftmost placement, unchanged base first): chr8-41668305-C-CCTGCT. GRCh37 (hg19) VCF-style: chr8-41525823-C-CCTGCT.
Other names: c.5474_5478dup, p.Val1827fs (NM_001142446.2); c.5351_5355dup, p.Val1786fs (NM_020475.3, NM_020476.3); c.4865_4869dup, p.Val1624fs (NM_020477.3); short protein forms V1827fs, V1624fs, V1786fs.
Identifiers: ClinVar variation 4717330 (VCV004717330.1).
Genomic context (GRCh38, chr8:41,668,305, plus strand): 5'-GCAGCTCCCCTCGGGCTCTCACCTGCACCACTTGGGTGAAGGTGTTCTTGGCCTCCTGCA[C>CCTGCT]CTGCTCTTCTTGGCCTTGCTGCCTCCGGTCCCTGTCGGCCTGGGAGCTCTCAGCCTCGGG-3'

ClinVar aggregate classification (germline): Pathogenic (1 of 4 stars; one submission).

Submission:

Labcorp Genetics (formerly Invitae), Labcorp
Classification: Pathogenic. Last evaluated: 2025-04-11. Review status: criteria provided, single submitter. Criteria: Invitae Variant Classification Sherloc (09022015). Collection method: clinical testing. Allele origin: germline.
Comment: This sequence change creates a premature translational stop signal (p.Val1786Serfs*27) in the ANK1 gene. It is expected to result in an absent or disrupted protein product. Loss-of-function variants in ANK1 are known to be pathogenic (PMID: 8640229). This variant is not present in population databases (gnomAD no frequency). This variant has not been reported in the literature in individuals affected with ANK1-related conditions. For these reasons, this variant has been classified as Pathogenic.

Literature cited by the submitters: PubMed 8640229.